The following is an entry in ClinVar:

NM_000222.3(KIT):c.1426A>G (p.Ser476Gly)

Gene: KIT (KIT proto-oncogene, receptor tyrosine kinase; plus strand). Cytogenetic location: 4q12.
Variant type: single nucleotide variant.
Coding change: c.1426A>G on transcript NM_000222.3 (MANE Select); coding-DNA position 1426, A replaced by G.
Protein change: p.Ser476Gly; replaces serine 476 with glycine.
Molecular consequence: missense variant.
Genome position (GRCh38, 1-based): chr4:54,725,936, A>G. VCF-style: chr4-54725936-A-G. GRCh37 (hg19) VCF-style: chr4-55592102-A-G.
Other names: c.1426A>G, p.Ser476Gly (NM_001385286.1, NM_001093772.2, NM_001385285.1); c.1429A>G, p.Ser477Gly (NM_001385288.1, NM_001385290.1, NM_001385292.1 and 1 more transcripts); short protein forms S476G, S477G.
Identifiers: ClinVar variation 1061606 (VCV001061606.12), dbSNP rs2109768856, ClinGen allele CA356906367.

ClinVar aggregate classification (germline): Uncertain significance. Review status: criteria provided, multiple submitters, no conflicts (2 of 4 stars). 2 submissions from 2 submitters: Uncertain significance (2). Last evaluated 2025-02-10.

Conditions:
Gastrointestinal stromal tumor. Also called: Gastrointestinal stromal tumor, somatic; Gastrointestinal stroma tumor. Identifiers: Orphanet 44890, MedGen C0238198, MeSH D046152, MONDO:0011719, OMIM 606764, HP:0100723.
Hereditary cancer-predisposing syndrome. Also called: Tumor predisposition; Neoplastic Syndromes, Hereditary; Hereditary neoplastic syndrome; Hereditary Cancer Syndrome. Identifiers: Orphanet 140162, MedGen C0027672, MeSH D009386, MONDO:0015356.

Submissions (2):

Ambry Genetics
Classification: Uncertain significance for Hereditary cancer-predisposing syndrome. Last evaluated: 2025-02-10. Review status: criteria provided, single submitter. Criteria: Ambry Variant Classification Scheme 2023. Collection method: clinical testing. Allele origin: germline.
Comment: The p.S476G variant (also known as c.1426A>G), located in coding exon 9 of the KIT gene, results from an A to G substitution at nucleotide position 1426. The serine at codon 476 is replaced by glycine, an amino acid with similar properties. This amino acid position is highly conserved in available vertebrate species. In addition, this alteration is predicted to be tolerated by in silico analysis. Based on the available evidence, the clinical significance of this variant remains unclear.

Labcorp Genetics (formerly Invitae), Labcorp
Classification: Uncertain significance for Gastrointestinal stromal tumor. Last evaluated: 2022-11-15. Review status: criteria provided, single submitter. Criteria: Invitae Variant Classification Sherloc (09022015). Collection method: clinical testing. Allele origin: germline.
Comment: In summary, the available evidence is currently insufficient to determine the role of this variant in disease. Therefore, it has been classified as a Variant of Uncertain Significance. Algorithms developed to predict the effect of missense changes on protein structure and function (SIFT, PolyPhen-2, Align-GVGD) all suggest that this variant is likely to be disruptive. ClinVar contains an entry for this variant (Variation ID: 1061606). This variant has not been reported in the literature in individuals affected with KIT-related conditions. This variant is not present in population databases (gnomAD no frequency). This sequence change replaces serine, which is neutral and polar, with glycine, which is neutral and non-polar, at codon 476 of the KIT protein (p.Ser476Gly).